The following is an entry in ClinVar:

ClinVar aggregate classification (germline): Likely pathogenic. Review status: criteria provided, multiple submitters, no conflicts (2 of 4 stars). 5 submissions from 5 submitters: Likely pathogenic (4). 1 of the submissions does not count toward it. Last evaluated 2025-06-27.

Conditions:
Familial juvenile hyperuricemic nephropathy type 1 (ADTKD1). Also called: Autosomal Dominant Tubulointerstitial Kidney Disease – UMOD; UMOD-Associated Kidney Disease; Uromodulin-associated kidney disease; Glomerulocystic kidney disease with hyperuricemia and isosthenuria; Medullary cystic kidney disease 2. Identifiers: Orphanet 209886, Orphanet 34149, Orphanet 88950, MedGen C4551496, MONDO:0008073, OMIM 162000.
Autosomal dominant medullary cystic kidney disease with or without hyperuricemia. Identifiers: Orphanet 34149, MedGen C4511620, MONDO:0008264.

Submissions (5):

Victorian Clinical Genetics Services, Murdoch Childrens Research Institute
Classification: Likely pathogenic for Familial juvenile hyperuricemic nephropathy type 1. Last evaluated: 2025-06-27. Review status: criteria provided, single submitter. Criteria: ACMG Guidelines, 2015. Collection method: clinical testing. Allele origin: germline. Affected: yes.
Comment: This variant is classified as Likely pathogenic. Evidence in support of pathogenic classification: Variant is absent from gnomAD (v2, v3 and v4); This variant has strong previous evidence of pathogenicity in unrelated individuals. This variant has been classified as likely pathogenic by multiple clinical laboratories in ClinVar, and reported in multiple affected individuals in the literature (PMID: 21060763, PMID: 31509055) Additional information: Variant is predicted to result in a missense amino acid change from Ala to Glu; This variant is heterozygous; This gene is associated with autosomal dominant disease; Alternative amino acid change(s) at the same position are present in gnomAD (Highest allele count: v4: 15 heterozygote(s), 0 homozygote(s)); Another missense variant comparable to the one identified in this case has inconclusive previous evidence for pathogenicity. A p.(Ala461Val) change has been classified as a VUS in ClinVar; Variant is located in the annotated zona pellucida domain (DECIPHER); Missense variant with inconclusive in silico prediction and uninformative conservation; Dominant negative is a known mechanism of disease in this gene and is associated with tubulointerstitial kidney disease 1 (MIM#162000) (PMID: 22117067); Variants in this gene are known to have variable expressivity. Intrafamilial variability has been described (PMID: 21868615); Inheritance information for this variant is not currently available in this individual.

Molecular Genetics, Royal Melbourne Hospital
Classification: Likely pathogenic for Autosomal dominant medullary cystic kidney disease with or without hyperuricemia. Last evaluated: 2024-11-04. Review status: criteria provided, single submitter. Criteria: ACMG Guidelines, 2015. Collection method: clinical testing. Allele origin: germline. Inheritance: Autosomal dominant inheritance. Affected: yes.
Comment: This sequence change in UMOD is predicted to replace alanine with glutamic acid at codon 461, p.(Ala461Glu). The alanine residue is highly conserved (100 vertebrates, Multiz Alignments), and is located in the zona pellucida-like (ZP) domain. There is a large physicochemical difference between alanine and glutamic acid. This variant is absent from the population database gnomAD v4.1. This variant has been reported in at least four unrelated probands with UMOD-related tubulointerstitial kidney disease and segregates with disease in two families (PMID: 21060763; 21868615; 31509055; 32450155; ClinVar: SCV003917499.13). Computational evidence predicts a deleterious effect for the missense substitution (REVEL = 0.691) and predicts no impact on splicing (SpliceAI) for the nucleotide change. Based on the classification scheme RMH Modified ACMG/AMP Guidelines v1.7.0, this variant is classified as LIKELY PATHOGENIC. Following criteria are met: PM2_Supporting, PP1, PP3, PS4

3billion
Classification: Likely pathogenic for Familial juvenile hyperuricemic nephropathy type 1. Last evaluated: 2024-07-30. Review status: criteria provided, single submitter. Criteria: ACMG Guidelines, 2015. Collection method: clinical testing. Allele origin: germline. Affected: yes.
Comment: The variant is not observed in the gnomAD v4.0.0 dataset. Missense changes are a common disease-causing mechanism. In silico tool predictions suggest damaging effect of the variant on gene or gene product [REVEL: 0.69 (>=0.6); 3Cnet: 0.79 (>=0.6)]. The same nucleotide change resulting in the same amino acid change has been previously reported as pathogenic/likely pathogenic with strong evidence (ClinVar ID: VCV001344662 / PMID: 21060763). Therefore, this variant is classified as likely pathogenic according to the recommendation of ACMG/AMP guideline.

CeGaT Center for Human Genetics Tuebingen
Classification: Likely pathogenic. Last evaluated: 2023-01-01. Review status: criteria provided, single submitter. Criteria: CeGaT Center For Human Genetics Tuebingen Variant Classification Criteria Version 2. Collection method: clinical testing. Allele origin: germline. Affected: yes. Observed: 1 variant allele.
Comment: UMOD: PM2, PP2, PP3, PP4, PS4:Supporting

Yale Center for Mendelian Genomics, Yale University
Classification: Likely pathogenic for Familial juvenile hyperuricemic nephropathy type 1. Last evaluated: 2019-02-14. Review status: no assertion criteria provided. Collection method: literature only. Allele origin: germline. Affected: yes. Observed: 1 heterozygote. Study: Yale Center for Mendelian Genomics. Not counted in ClinVar's aggregate classification.

Literature cited by the submitters: PubMed 21060763 (cited by Victorian Clinical Genetics Services, Murdoch Childrens Research Institute and Molecular Genetics, Royal Melbourne Hospital); PubMed 22117067 (cited by Victorian Clinical Genetics Services, Murdoch Childrens Research Institute); PubMed 31509055 (cited by Victorian Clinical Genetics Services, Murdoch Childrens Research Institute); PubMed 21868615 (cited by Victorian Clinical Genetics Services, Murdoch Childrens Research Institute); PubMed 30773290 (cited by Yale Center for Mendelian Genomics, Yale University).

NM_003361.4(UMOD):c.1382C>A (p.Ala461Glu)

Gene: UMOD (uromodulin; minus strand). Cytogenetic location: 16p12.3.
Variant type: single nucleotide variant.
Coding change: c.1382C>A on transcript NM_003361.4 (MANE Select); coding-DNA position 1382, C replaced by A.
Protein change: p.Ala461Glu; replaces alanine 461 with glutamic acid.
Molecular consequence: missense variant. On other transcripts: non-coding transcript variant (1).
Genome position (GRCh38, 1-based): chr16:20,341,286, G>T on the plus strand (C>A on the coding strand, the complement: UMOD is on the minus strand). VCF-style: chr16-20341286-G-T. GRCh37 (hg19) VCF-style: chr16-20352608-G-T.
Other names: c.1382C>A, p.Ala461Glu (NM_001008389.3, NM_001378232.1, NM_001378233.1); c.1481C>A, p.Ala494Glu (NM_001278614.2); c.1523C>A, p.Ala508Glu (NM_001378234.1, NM_001378235.1); short protein forms A461E, A494E, A508E.
Identifiers: ClinVar variation 1344662 (VCV001344662.33), dbSNP rs780475918, ClinGen allele CA394982546.
Genomic context (GRCh38, chr16:20,341,286, plus strand): 5'-GTGGACAGTGTCACGGAGGAGCCTTGGTAGGGCTGCGTGTAGGAAGGGGTCTGGAAGAGC[G>T]CCATCCGCACGGTGAACATGCCGGTCCCGCCCACTCTGATGTTTAGAGCACTGCCAGGGG-3'
Protein context (NP_003352.2, residues 451-471): GGTGMFTVRM[Ala461Glu]LFQTPSYTQP